The following is an entry in ClinVar:

ClinVar aggregate classification (germline): Conflicting classifications of pathogenicity. Review status: criteria provided, conflicting classifications (1 of 4 stars). 3 submissions from 3 submitters: Uncertain significance (2); Likely benign (1). Last evaluated 2024-07-16.

Conditions:
Hereditary cancer-predisposing syndrome. Also called: Hereditary neoplastic syndrome; Tumor predisposition; Neoplastic Syndromes, Hereditary; Hereditary Cancer Syndrome. Identifiers: Orphanet 140162, MedGen C0027672, MeSH D009386, MONDO:0015356.
Fanconi anemia complementation group C (FANCC). Also called: FANCONI PANCYTOPENIA, TYPE 3; FACC; Fanconi anemia, group C; FANCC-Related Fanconi Anemia. Identifiers: Orphanet 84, MedGen C3468041, MONDO:0009213, OMIM 227645.

gnomAD v4.1: 3 of 1,613,934 alleles (0.00019%); highest among the groups gnomAD compares: Non-Finnish European, 0.00025%; no homozygotes.

Submissions (3):

Ambry Genetics
Classification: Likely benign for Hereditary cancer-predisposing syndrome. Last evaluated: 2024-07-16. Review status: criteria provided, single submitter. Criteria: Ambry Variant Classification Scheme 2023. Collection method: clinical testing. Allele origin: germline.

Fulgent Genetics
Classification: Uncertain significance for Fanconi anemia complementation group C. Last evaluated: 2022-03-24. Review status: criteria provided, single submitter. Criteria: ACMG Guidelines, 2015. Collection method: clinical testing. Allele origin: unknown.

GeneDx
Classification: Uncertain significance. Last evaluated: 2020-02-19. Review status: criteria provided, single submitter. Criteria: GeneDx Variant Classification Process June 2021. Collection method: clinical testing. Allele origin: germline. Affected: yes.
Comment: Not observed in large population cohorts (Lek 2016); In silico analysis supports that this missense variant does not alter protein structure/function; Has not been previously published as pathogenic or benign to our knowledge

NM_000136.3(FANCC):c.590A>T (p.Asp197Val)

Genes: FANCC (FA complementation group C; minus strand), AOPEP (aminopeptidase O (putative); plus strand). Cytogenetic location: 9q22.32.
Variant type: single nucleotide variant.
Coding change: c.590A>T on transcript NM_000136.3 (MANE Select); coding-DNA position 590, A replaced by T.
Protein change: p.Asp197Val; replaces aspartic acid 197 with valine.
Molecular consequence: missense variant.
Genome position (GRCh38, 1-based): chr9:95,150,019, T>A on the plus strand (A>T on the coding strand, the complement: FANCC is on the minus strand). VCF-style: chr9-95150019-T-A. GRCh37 (hg19) VCF-style: chr9-97912301-T-A.
Other names: c.590A>T, p.Asp197Val (NM_001243743.2, NM_001243744.2); short protein forms D197V.
Identifiers: ClinVar variation 419075 (VCV000419075.8), dbSNP rs1064793625, ClinGen allele CA16618887.